The following is an entry in ClinVar:

NM_025136.4(OPA3):c.372C>A (p.Asp124Glu)

Genes: OPA3 (outer mitochondrial membrane lipid metabolism regulator OPA3; minus strand), OPA3-RTN2 (OPA3-RTN2 readthrough; minus strand). Cytogenetic location: 19q13.32.
Variant type: single nucleotide variant.
Coding change: c.372C>A on transcript NM_025136.4 (MANE Select); coding-DNA position 372, C replaced by A.
Protein change: p.Asp124Glu; replaces aspartic acid 124 with glutamic acid.
Molecular consequence: missense variant. On other transcripts: intron variant (1).
Genome position (GRCh38, 1-based): chr19:45,553,682, G>T on the plus strand (C>A on the coding strand, the complement: OPA3 is on the minus strand). VCF-style: chr19-45553682-G-T. GRCh37 (hg19) VCF-style: chr19-46056940-G-T.
Other names: c.143-24226C>A (NM_001017989.3); short protein forms D124E.
Identifiers: ClinVar variation 1401416 (VCV001401416.9), dbSNP rs755348694, ClinGen allele CA9517406.

ClinVar aggregate classification (germline): Uncertain significance. Review status: criteria provided, multiple submitters, no conflicts (2 of 4 stars). 4 submissions from 4 submitters: Uncertain significance (4). Last evaluated 2023-07-21.

Conditions:
Optic atrophy 3 (OPA3). Also called: Optic atrophy 3 with cataract; OPTIC ATROPHY 3, AUTOSOMAL DOMINANT; Optic atrophy, cataract, and neurologic disorder. Identifiers: Orphanet 67036, MedGen C1833809, MONDO:0008133, OMIM 165300.
3-Methylglutaconic aciduria type 3 (MGCA3). Also called: OPA3-Related 3-Methylglutaconic Aciduria; Costeff Syndrome; OPA3, AUTOSOMAL RECESSIVE; OPTIC ATROPHY 3, AUTOSOMAL RECESSIVE. Identifiers: Orphanet 67047, MedGen C0574084, MONDO:0009787, OMIM 258501.

Allele frequency attached by ClinVar (database versions not stated): TOPMed 0.00004; gnomAD exomes 0.00001 and below 0.00001; gnomAD 0.00003 and 0.00004; ExAC 0.00001.
gnomAD v4.1: 7 of 1,605,360 alleles (0.00044%); highest among the groups gnomAD compares: African/African-American, 0.0093%; no homozygotes.

Submissions (4):

Labcorp Genetics (formerly Invitae), Labcorp
Classification: Uncertain significance for 3-Methylglutaconic aciduria type 3; Optic atrophy 3. Last evaluated: 2023-07-21. Review status: criteria provided, single submitter. Criteria: Invitae Variant Classification Sherloc (09022015). Collection method: clinical testing. Allele origin: germline.
Comment: This variant has not been reported in the literature in individuals affected with OPA3-related conditions. This variant is present in population databases (rs755348694, gnomAD 0.01%). This sequence change replaces aspartic acid, which is acidic and polar, with glutamic acid, which is acidic and polar, at codon 124 of the OPA3 protein (p.Asp124Glu). In summary, the available evidence is currently insufficient to determine the role of this variant in disease. Therefore, it has been classified as a Variant of Uncertain Significance. An algorithm developed to predict the effect of missense changes on protein structure and function (PolyPhen-2) suggests that this variant is likely to be tolerated. ClinVar contains an entry for this variant (Variation ID: 1401416).

GeneDx
Classification: Uncertain significance. Last evaluated: 2022-03-24. Review status: criteria provided, single submitter. Criteria: GeneDx Variant Classification Process June 2021. Collection method: clinical testing. Allele origin: germline. Affected: yes.
Comment: In silico analysis supports that this missense variant does not alter protein structure/function; Has not been previously published as pathogenic or benign to our knowledge

Blueprint Genetics
Classification: Uncertain significance. Last evaluated: 2021-11-11. Review status: criteria provided, single submitter. Criteria: ACMG Guidelines, 2015. Collection method: clinical testing. Allele origin: germline.

Breakthrough Genomics
Classification: Uncertain significance. Review status: criteria provided, single submitter. Criteria: ACMG Guidelines, 2015. Collection method: not provided. Allele origin: germline. Inheritance: Autosomal dominant inheritance. Affected: yes.